The following is an entry in ClinVar:

ClinVar aggregate classification (germline): Uncertain significance (1 of 4 stars; one submission).

Submission:

Labcorp Genetics (formerly Invitae), Labcorp
Classification: Uncertain significance. Last evaluated: 2024-03-03. Review status: criteria provided, single submitter. Criteria: Invitae Variant Classification Sherloc (09022015). Collection method: clinical testing. Allele origin: germline.
Comment: This sequence change replaces alanine, which is neutral and non-polar, with threonine, which is neutral and polar, at codon 174 of the RBM10 protein (p.Ala174Thr). This variant is not present in population databases (gnomAD no frequency). This variant has not been reported in the literature in individuals affected with RBM10-related conditions. Advanced modeling of protein sequence and biophysical properties (such as structural, functional, and spatial information, amino acid conservation, physicochemical variation, residue mobility, and thermodynamic stability) has been performed at Invitae for this missense variant, however the output from this modeling did not meet the statistical confidence thresholds required to predict the impact of this variant on RBM10 protein function. In summary, the available evidence is currently insufficient to determine the role of this variant in disease. Therefore, it has been classified as a Variant of Uncertain Significance.

NM_005676.5(RBM10):c.520G>A (p.Ala174Thr)

Gene: RBM10 (RNA binding motif protein 10; plus strand). Cytogenetic location: Xp11.3.
Variant type: single nucleotide variant.
Coding change: c.520G>A on transcript NM_005676.5 (MANE Select); coding-DNA position 520, G replaced by A.
Protein change: p.Ala174Thr; replaces alanine 174 with threonine.
Molecular consequence: missense variant.
Genome position (GRCh38, 1-based): chrX:47,175,036, G>A. VCF-style: chrX-47175036-G-A. GRCh37 (hg19) VCF-style: chrX-47034435-G-A.
Other names: c.289G>A, p.Ala97Thr (NM_001204466.2, NM_152856.3); c.520G>A, p.Ala174Thr (NM_001204467.2); c.715G>A, p.Ala239Thr (NM_001204468.2); short protein forms A174T, A239T, A97T.
Identifiers: ClinVar variation 3692144 (VCV003692144.2).
Genomic context (GRCh38, chrX:47,175,036, plus strand): 5'-TGTTGACTAACCCACTGCGTCTGTATCTGAATGCTGTCTCCAGGTCAGAGCCGGGGCTTC[G>A]CCTTCGTCGAGTTTAGTCACTTGCAGGACGCTACACGATGGATGGAAGCCAATCAGGTTG-3'
Protein context (NP_005667.2, residues 164-184): NKSSGQSRGF[Ala174Thr]FVEFSHLQDA